The following is an entry in ClinVar:

NM_001330260.2(SCN8A):c.3934G>C (p.Gly1312Arg)

Gene: SCN8A (sodium voltage-gated channel alpha subunit 8; plus strand). Cytogenetic location: 12q13.13.
Variant type: single nucleotide variant.
Coding change: c.3934G>C on transcript NM_001330260.2 (MANE Select); coding-DNA position 3934, G replaced by C.
Protein change: p.Gly1312Arg; replaces glycine 1312 with arginine.
Molecular consequence: missense variant. On other transcripts: intron variant (2).
Genome position (GRCh38, 1-based): chr12:51,780,763, G>C. VCF-style: chr12-51780763-G-C. GRCh37 (hg19) VCF-style: chr12-52174547-G-C.
Other names: c.3934G>C (NM_014191.3); c.3934G>C, p.Gly1312Arg (NM_014191.4); c.3820-5779G>C (NM_001177984.3, NM_001369788.1); short protein forms G1312R.
Identifiers: ClinVar variation 1497143 (VCV001497143.10), dbSNP rs2138892889, ClinGen allele CA384901661.

ClinVar aggregate classification (germline): Uncertain significance. Review status: criteria provided, multiple submitters, no conflicts (2 of 4 stars). 2 submissions from 2 submitters: Uncertain significance (2). Last evaluated 2025-05-12.

Conditions:
Early-infantile DEE. Also called: Ohtahara syndrome; Early infantile epileptic encephalopathy; Early infantile epileptic encephalopathy with suppression bursts. Identifiers: Orphanet 1934, MedGen C0393706, MONDO:0800491.

Submissions (2):

Labcorp Genetics (formerly Invitae), Labcorp
Classification: Uncertain significance for Early-infantile DEE. Last evaluated: 2025-05-12. Review status: criteria provided, single submitter. Criteria: Invitae Variant Classification Sherloc (09022015). Collection method: clinical testing. Allele origin: germline.
Comment: This sequence change replaces glycine, which is neutral and non-polar, with arginine, which is basic and polar, at codon 1312 of the SCN8A protein (p.Gly1312Arg). This variant is not present in population databases (gnomAD no frequency). This variant has not been reported in the literature in individuals affected with SCN8A-related conditions. ClinVar contains an entry for this variant (Variation ID: 1497143). Invitae Evidence Modeling of protein sequence and biophysical properties (such as structural, functional, and spatial information, amino acid conservation, physicochemical variation, residue mobility, and thermodynamic stability) indicates that this missense variant is expected to disrupt SCN8A protein function with a positive predictive value of 95%. In summary, the available evidence is currently insufficient to determine the role of this variant in disease. Therefore, it has been classified as a Variant of Uncertain Significance.

GeneDx
Classification: Uncertain significance. Last evaluated: 2024-08-11. Review status: criteria provided, single submitter. Criteria: GeneDx Variant Classification Process June 2021. Collection method: clinical testing. Allele origin: germline. Affected: yes.
Comment: Not observed at significant frequency in large population cohorts (gnomAD); In silico analysis supports that this missense variant has a deleterious effect on protein structure/function; Has not been previously published as pathogenic or benign to our knowledge; This substitution is predicted to be within the intracellular loop between the S4 and S5 transmembrane segments of the third homologous domain